The following is an entry in ClinVar:

ClinVar aggregate classification (germline): Uncertain significance (1 of 4 stars; one submission).

Allele frequency attached by ClinVar (database versions not stated): ExAC 0.00002; gnomAD exomes 0.00004 and 0.00005; TOPMed 0.00004; gnomAD 0.00005 and 0.00006.
gnomAD v4.1: 86 of 1,614,034 alleles (0.0053%); highest among the groups gnomAD compares: Non-Finnish European, 0.0066%; no homozygotes.

Submission:

Laboratory for Molecular Medicine, Mass General Brigham Personalized Medicine
Classification: Uncertain significance. Last evaluated: 2013-10-05. Review status: criteria provided, single submitter. Criteria: LMM Criteria. Collection method: clinical testing. Allele origin: germline. Observed: 2 variant alleles.
Comment: The Arg352His variant in MYO1A has not been reported in individuals with hearing loss or in large population studies. The arginine (Arg) residue at position 352 is highly conserved across species and lies in the myosin head motor domain. In addition, computational analyses ( AlignGVGD, PolyPhen2, and SIFT) suggest that the variant may impact the protein. However, this information is not predictive enough to assume pathogenicity. In summary, additional information is needed to fully assess the clinical significance of the Arg352His variant.

NM_005379.4(MYO1A):c.1055G>A (p.Arg352His)

Gene: MYO1A (myosin IA; minus strand). Cytogenetic location: 12q13.3.
Variant type: single nucleotide variant.
Coding change: c.1055G>A on transcript NM_005379.4 (MANE Select); coding-DNA position 1055, G replaced by A.
Protein change: p.Arg352His; replaces arginine 352 with histidine.
Molecular consequence: missense variant.
Genome position (GRCh38, 1-based): chr12:57,043,115, C>T on the plus strand (G>A on the coding strand, the complement: MYO1A is on the minus strand). VCF-style: chr12-57043115-C-T. GRCh37 (hg19) VCF-style: chr12-57436899-C-T.
Other names: c.1055G>A, p.Arg352His (NM_001256041.2); short protein forms R352H.
Identifiers: ClinVar variation 178955 (VCV000178955.4), dbSNP rs727504566, ClinGen allele CA183377.
Genomic context (GRCh38, chr12:57,043,115, plus strand): 5'-GCAGAGCGGCCACTTGCCTTGATGCTCTCATTGATTCGATTCACTATCCAGTCAAAGAGG[C>T]GGCTGTAGATGTTCTTAGCCAGGGCGTCCCGAGCATACTGAGCCTGTGGGTGAGGCACAG-3'
Protein context (NP_005370.1, residues 342-362): RDALAKNIYS[Arg352His]LFDWIVNRIN